The following is an entry in ClinVar:

NM_001267550.2(TTN):c.42614_42635delinsCCTTCAGGGGCACAGCAAAGTCAAGG (p.Leu14205fs)

Gene: TTN (titin; minus strand). Cytogenetic location: 2q31.2.
Variant type: Indel.
Coding change: c.42614_42635delinsCCTTCAGGGGCACAGCAAAGTCAAGG on transcript NM_001267550.2 (MANE Select); coding-DNA positions 42614 to 42635, TGGATGATATATCTCAGATAAA replaced by CCTTCAGGGGCACAGCAAAGTCAAGG.
Protein change: p.Leu14205fs; shifts the reading frame from leucine 14205.
Molecular consequence: frameshift variant.
Genome position (GRCh38, 1-based): chr2:178,633,864-178,633,885, TTTATCTGAGATATATCATCCA replaced by CCTTGACTTTGCTGTGCCCCTGAAGG on the plus strand (TGGATGATATATCTCAGATAAA replaced by CCTTCAGGGGCACAGCAAAGTCAAGG on the coding strand, the reverse complement: TTN is on the minus strand). GRCh37 (hg19): chr2:179,498,591-179,498,612.
Other names: c.37691_37712delinsCCTTCAGGGGCACAGCAAAGTCAAGG, p.Leu12564fs (NM_001256850.1); c.15419_15440delinsCCTTCAGGGGCACAGCAAAGTCAAGG, p.Leu5140fs (NM_003319.4); c.34910_34931delinsCCTTCAGGGGCACAGCAAAGTCAAGG, p.Leu11637fs (NM_133378.4); c.15794_15815delinsCCTTCAGGGGCACAGCAAAGTCAAGG, p.Leu5265fs (NM_133432.3); c.15995_16016delinsCCTTCAGGGGCACAGCAAAGTCAAGG, p.Leu5332fs (NM_133437.4); c.15419_15440del22insCCTTCAGGGGCACAGCAAAGTCAAGG (NM_003319.4); short protein forms L5265fs, L5140fs, L12564fs, L5332fs, L11637fs, L14205fs.
Identifiers: ClinVar variation 1774853 (VCV001774853.2), dbSNP rs2471523624, ClinGen allele CA2580065153.

ClinVar aggregate classification (germline): Likely pathogenic (1 of 4 stars; one submission).

Conditions:
Cardiovascular phenotype. Identifiers: MedGen CN230736.

Submission:

Ambry Genetics
Classification: Likely pathogenic for Cardiovascular phenotype. Last evaluated: 2020-05-18. Review status: criteria provided, single submitter. Criteria: Ambry Variant Classification Scheme 2023. Collection method: clinical testing. Allele origin: germline.
Comment: The c.15419_15440del22insCCTTCAGGGGCACAGCAAAGTCAAGG variant, located in coding exon 58 of the TTN gene, results from the deletion of 22 nucleotides and insertion of 26 nucleotides causing a translational frameshift with a predicted alternate stop codon (p.L5140Sfs*36). This exon is located in the I-band region of the N2-B isoform of the titin protein and is constitutively expressed in TTN transcripts (percent spliced in or PSI 100%). This alteration is expected to result in loss of function by premature protein truncation or nonsense-mediated mRNA decay. While truncating variants in TTN are present in 1-3% of the general population, truncating variants in the A-band are the most common cause of dilated cardiomyopathy (DCM) (Herman DS et al. N. Engl. J. Med., 2012 Feb;366:619-28; Roberts AM et al. Sci Transl Med, 2015 Jan;7:270ra6). TTN truncating variants encoded in constitutive exons (PSI >90%) have been found to be significantly associated with DCM regardless of their position in titin (Schafer S et al. Nat. Genet., 2017 01;49:46-53). As such, this alteration is classified as likely pathogenic.